The following is an entry in ClinVar:

ClinVar aggregate classification (germline): Pathogenic. Review status: criteria provided, multiple submitters, no conflicts (2 of 4 stars). 3 submissions from 3 submitters: Pathogenic (2). 1 of the submissions does not count toward it. Last evaluated 2026-08-11.

Conditions:
ZEB2-related disorder. Also called: ZEB2-related condition.
Mowat-Wilson syndrome (MOWS). Also called: Classic Mowat-Wilson Syndrome. Identifiers: Orphanet 2152, MedGen C1856113, MONDO:0009341, OMIM 235730.

Submissions (3):

PreventionGenetics, part of Exact Sciences
Classification: Pathogenic for ZEB2-related condition. Last evaluated: 2026-08-11. Review status: criteria provided, single submitter. Criteria: ACMG Guidelines, 2015. Collection method: clinical testing. Allele origin: germline.
Comment: The ZEB2 c.2179_2180delTT variant is predicted to result in a frameshift and premature protein termination (p.Leu727Ilefs*28). This variant has been reported in individuals with Mowat-Wilson syndrome, including one in whom it occurred de novo (reported as 2178delTT, Yamada et al. 2001. PubMed ID: 11592033; Saunders et al. 2009. PubMed ID: 19842203). This variant has not been reported in a large population database (gnomAD), indicating it is rare. Frameshift variants in ZEB2 are expected to be pathogenic. This variant is interpreted as pathogenic.

Labcorp Genetics (formerly Invitae), Labcorp
Classification: Pathogenic for Mowat-Wilson syndrome. Last evaluated: 2024-06-22. Review status: criteria provided, single submitter. Criteria: Invitae Variant Classification Sherloc (09022015). Collection method: clinical testing. Allele origin: germline.
Comment: This sequence change creates a premature translational stop signal (p.Leu727Ilefs*28) in the ZEB2 gene. It is expected to result in an absent or disrupted protein product. Loss-of-function variants in ZEB2 are known to be pathogenic (PMID: 16053902). This variant is not present in population databases (gnomAD no frequency). This premature translational stop signal has been observed in individual(s) with clinical features of Mowat-Wilson syndrome (PMID: 11592033, 19842203). This variant is also known as c.2178delTT (p.Leu727fs754X) and p.L727fs. ClinVar contains an entry for this variant (Variation ID: 189276). For these reasons, this variant has been classified as Pathogenic.

Molecular Genetics Laboratory, Children's Mercy Hospital and Clinics
Classification: Pathogenic for Mowat-Wilson syndrome. Last evaluated: 2015-03-02. Review status: no assertion criteria provided. Collection method: clinical testing. Allele origin: unknown. Affected: yes. Not counted in ClinVar's aggregate classification.

Literature cited by the submitters: PubMed 16053902 (cited by Labcorp Genetics (formerly Invitae), Labcorp); PubMed 11592033 (cited by Labcorp Genetics (formerly Invitae), Labcorp); PubMed 19842203 (cited by Labcorp Genetics (formerly Invitae), Labcorp).

NM_014795.4(ZEB2):c.2179_2180del (p.Leu727fs)

Gene: ZEB2 (zinc finger E-box binding homeobox 2; minus strand). Cytogenetic location: 2q22.3.
Variant type: Deletion.
Coding change: c.2179_2180del on transcript NM_014795.4 (MANE Select); coding-DNA positions 2179 to 2180, 2 bases deleted (TT; older notation c.2179_2180delTT).
Protein change: p.Leu727fs; shifts the reading frame from leucine 727.
Molecular consequence: frameshift variant.
Genome position (GRCh38, 1-based): chr2:144,399,007-144,399,008, AA deleted on the plus strand (TT on the coding strand, the reverse complement: ZEB2 is on the minus strand); deleting any 2 consecutive bases within chr2:144,399,007-144,399,009 gives the same sequence; the c. name uses the placement nearest the transcript's 3' end. VCF-style (leftmost placement, unchanged base first): chr2-144399006-TAA-T. GRCh37 (hg19) VCF-style: chr2-145156573-TAA-T.
Other names: c.2107_2108del, p.Leu703fs (NM_001171653.2); short protein forms L727fs, L703fs.
Identifiers: ClinVar variation 189276 (VCV000189276.7), dbSNP rs786204810, ClinGen allele CA274518.
Genomic context (GRCh38, chr2:144,399,006, plus strand): 5'-GAGTTCTGCTATAGATGGTGATGTTATGGAGTCCATAGGTTTTACAGGAGACCTGGGTAA[TAA>T]AGAGTCTTTTGTGGGAGGGTTACTGTTGGGAGCTAACGGCTTGGAGCTTCTTTCCAGGGA-3'